The following is an entry in ClinVar:

ClinVar aggregate classification (germline): Uncertain significance (1 of 4 stars; one submission).

Allele frequency attached by ClinVar (database versions not stated): gnomAD exomes below 0.00001; TOPMed below 0.00001; ExAC 0.00001.

Submission:

Labcorp Genetics (formerly Invitae), Labcorp
Classification: Uncertain significance. Last evaluated: 2022-06-10. Review status: criteria provided, single submitter. Criteria: Invitae Variant Classification Sherloc (09022015). Collection method: clinical testing. Allele origin: germline.
Comment: This sequence change replaces proline, which is neutral and non-polar, with serine, which is neutral and polar, at codon 263 of the PIGB protein (p.Pro263Ser). This variant is present in population databases (rs761252838, gnomAD 0.007%). This variant has not been reported in the literature in individuals affected with PIGB-related conditions. Algorithms developed to predict the effect of missense changes on protein structure and function are either unavailable or do not agree on the potential impact of this missense change (SIFT: "Tolerated"; PolyPhen-2: "Probably Damaging"; Align-GVGD: "Class C0"). In summary, the available evidence is currently insufficient to determine the role of this variant in disease. Therefore, it has been classified as a Variant of Uncertain Significance.

NM_004855.5(PIGB):c.787C>T (p.Pro263Ser)

Gene: PIGB (phosphatidylinositol glycan anchor biosynthesis class B; plus strand). Cytogenetic location: 15q21.3.
Variant type: single nucleotide variant.
Coding change: c.787C>T on transcript NM_004855.5 (MANE Select); coding-DNA position 787, C replaced by T.
Protein change: p.Pro263Ser; replaces proline 263 with serine.
Molecular consequence: missense variant.
Genome position (GRCh38, 1-based): chr15:55,334,000, C>T. VCF-style: chr15-55334000-C-T. GRCh37 (hg19) VCF-style: chr15-55626198-C-T.
Other names: short protein forms P263S.
Identifiers: ClinVar variation 2125155 (VCV002125155.1), dbSNP rs761252838, ClinGen allele CA7573921.
Genomic context (GRCh38, chr15:55,334,000, plus strand): 5'-CTCTTCAGACATTTCTGTCAAGAACCAAGAAAGCTTGATCTTATTCTACATCATTTTTTA[C>T]CTGTAGGGTAAGTGTGGCAATAATCCATCCATTTATTTTAGTAGCCTACAAATCACAGAT-3'
Protein context (NP_004846.4, residues 253-273): KLDLILHHFL[Pro263Ser]VGFVTLSLSL